The following is an entry in ClinVar:

ClinVar aggregate classification (germline): Uncertain significance (1 of 4 stars; one submission).

Submission:

Illumina Laboratory Services, Illumina
Classification: Uncertain significance. Last evaluated: 2021-03-03. Review status: criteria provided, single submitter. Criteria: ICSL CNVClassificationCriteria Aug2020. Collection method: clinical testing. Allele origin: unknown.
Comment: This CNV is a 1.5 Mb duplication of 12q24.31, on chromosome 12, (seq[GRCh37]dup(12)(q24.31); chr12:g.21887337_123386068dup), which is inherited. This CNV constitutes a gain encompassing 27 protein coding genes. One breakpoint lies in an intergenic region and the other breakpoint is within the KDM2B gene, which does not currently have a known gene-disease relationship. Patients with similar gains in this region have not been reported in the peer-reviewed literature. There are several patients with duplications in this region in the DECIPHER database who are noted to display overlapping phenotypic features, including developmental delay (Firth et al. 2009). Several genes within this region are associated with diseases that have some overlap with the proband's reported phenotype and follow autosomal dominant inheritance, including SETD1B (MIM# 615883, intellectual developmental disorder with seizures and language delay) and ORAI1 (MIM#615883, tubular aggregate myopathy), however triplosensitivity is not currently established to cause disease for either. This CNV has not been reported in controls (MacDonald et al. 2013; Coe et al. 2014). Based on the evidence, this CNV is classified as a variant of uncertain significance.

Literature cited by the submitters: PubMed 19344873; PubMed 24174537; PubMed 25217958.

GRCh37/hg19 12q24.31(chr12:121887337-123386068)x3

Genes: B3GNT4 (UDP-GlcNAc:betaGal beta-1,3-N-acetylglucosaminyltransferase 4; plus strand), BCL7A (BAF chromatin remodeling complex subunit BCL7A; plus strand), CCDC62 (coiled-coil domain containing 62; plus strand), CFAP251 (cilia and flagella associated protein 251; plus strand), CLIP1 (CAP-Gly domain containing linker protein 1; minus strand) and 22 more. Cytogenetic location: 12q24.31.
Variant type: copy number gain.
Change: copy number 3 (three copies instead of two) of chr12:121,887,337-123,386,068 (1.50 Mb, GRCh37 coordinates, 1-based), cytogenetic band 12q24.31.
Identifiers: ClinVar variation 1328462 (VCV001328462.4).